The following is an entry in ClinVar:

ClinVar aggregate classification (germline): Uncertain significance (1 of 4 stars; one submission).

Conditions:
CLIC5-related disorder. Also called: CLIC5-related condition.

Submission:

PreventionGenetics, part of Exact Sciences
Classification: Uncertain significance for CLIC5-related condition. Last evaluated: 2024-12-17. Review status: criteria provided, single submitter. Criteria: ACMG Guidelines, 2015. Collection method: clinical testing. Allele origin: germline.
Comment: The CLIC5 c.311G>C variant is predicted to result in the amino acid substitution p.Gly104Ala. To our knowledge, this variant has not been reported in the literature or in a large population database (gnomAD), indicating this variant is rare. At this time, the clinical significance of this variant is uncertain due to the absence of conclusive functional and genetic evidence.

NM_001114086.2(CLIC5):c.311G>C (p.Gly104Ala)

Gene: CLIC5 (CLIC family member 5; minus strand). Cytogenetic location: 6p21.1.
Variant type: single nucleotide variant.
Coding change: c.311G>C on transcript NM_001114086.2; coding-DNA position 311, G replaced by C.
Protein change: p.Gly104Ala; replaces glycine 104 with alanine.
Molecular consequence: missense variant. On other transcripts: intron variant (1).
Genome position (GRCh38, 1-based): chr6:46,079,932, C>G on the plus strand (G>C on the coding strand, the complement: CLIC5 is on the minus strand). VCF-style: chr6-46079932-C-G. GRCh37 (hg19) VCF-style: chr6-46047669-C-G.
Other names: c.311G>C, p.Gly104Ala (NM_001370650.1); c.-55+49572G>C (NM_001370649.1); short protein forms G104A.
Identifiers: ClinVar variation 4986043 (VCV004986043.1).